The following is an entry in ClinVar:

NM_198904.4(GABRG2):c.1393A>T (p.Asn465Tyr)

Gene: GABRG2 (gamma-aminobutyric acid type A receptor subunit gamma2; plus strand). Cytogenetic location: 5q34.
Variant type: single nucleotide variant.
Coding change: c.1393A>T on transcript NM_198904.4 (MANE Select); coding-DNA position 1393, A replaced by T.
Protein change: p.Asn465Tyr; replaces asparagine 465 with tyrosine.
Molecular consequence: missense variant. On other transcripts: 3 prime UTR variant (1).
Genome position (GRCh38, 1-based): chr5:162,153,333, A>T. VCF-style: chr5-162153333-A-T. GRCh37 (hg19) VCF-style: chr5-161580339-A-T.
Other names: c.1384A>T, p.Asn462Tyr (NM_001375339.1); c.*227A>T (NM_001375340.1); c.1390A>T, p.Asn464Tyr (NM_001375341.1); c.1366A>T, p.Asn456Tyr (NM_001375342.1); c.1489A>T, p.Asn497Tyr (NM_001375343.1); c.1432A>T, p.Asn478Tyr (NM_001375344.1); c.1303A>T, p.Asn435Tyr (NM_001375345.1); c.1327A>T, p.Asn443Tyr (NM_001375346.1); and 6 more; short protein forms N465Y, N505Y, N457Y, N317Y, N325Y, N362Y, N435Y, N436Y.
Identifiers: ClinVar variation 663911 (VCV000663911.9), dbSNP rs1581463309, ClinGen allele CA362184117.

ClinVar aggregate classification (germline): Uncertain significance. Review status: criteria provided, multiple submitters, no conflicts (2 of 4 stars). 2 submissions from 2 submitters: Uncertain significance (2). Last evaluated 2025-09-25.

Conditions:
EPILEPSY, CHILDHOOD ABSENCE, SUSCEPTIBILITY TO, 2 (ECA2). Identifiers: Orphanet 64280, MedGen C1843244, OMIM 607681.
Febrile seizures, familial, 8 (FEB8). Also called: CONVULSIONS, FAMILIAL FEBRILE, 8. Identifiers: Orphanet 36387, MedGen C1969810, MONDO:0011891, OMIM 607681.

Submissions (2):

GeneDx
Classification: Uncertain significance. Last evaluated: 2025-09-25. Review status: criteria provided, single submitter. Criteria: GeneDx Variant Classification Process June 2021. Collection method: clinical testing. Allele origin: germline. Affected: yes.
Comment: Not observed at significant frequency in large population cohorts (gnomAD); In silico analysis supports that this missense variant has a deleterious effect on protein structure/function; Has not been previously published as pathogenic or benign to our knowledge

Labcorp Genetics (formerly Invitae), Labcorp
Classification: Uncertain significance for Febrile seizures, familial, 8; EPILEPSY, CHILDHOOD ABSENCE, SUSCEPTIBILITY TO, 2. Last evaluated: 2022-04-03. Review status: criteria provided, single submitter. Criteria: Invitae Variant Classification Sherloc (09022015). Collection method: clinical testing. Allele origin: germline.
Comment: Advanced modeling of protein sequence and biophysical properties (such as structural, functional, and spatial information, amino acid conservation, physicochemical variation, residue mobility, and thermodynamic stability) performed at Invitae indicates that this missense variant is expected to disrupt GABRG2 protein function. In summary, the available evidence is currently insufficient to determine the role of this variant in disease. Therefore, it has been classified as a Variant of Uncertain Significance. ClinVar contains an entry for this variant (Variation ID: 663911). This missense change has been observed in individual(s) with clinical features of generalized epilepsy with febrile seizures, plus (Invitae). This variant is not present in population databases (gnomAD no frequency). This sequence change replaces asparagine, which is neutral and polar, with tyrosine, which is neutral and polar, at codon 457 of the GABRG2 protein (p.Asn457Tyr).